The following is an entry in ClinVar:

ClinVar aggregate classification (germline): Uncertain significance. Review status: criteria provided, multiple submitters, no conflicts (2 of 4 stars). 3 submissions from 3 submitters: Uncertain significance (3). Last evaluated 2024-11-07.

Conditions:
Microcephaly-intellectual disability-sensorineural hearing loss-epilepsy-abnormal muscle tone syndrome (NEDHSB). Also called: NEURODEVELOPMENTAL DISORDER WITH HEARING LOSS, SEIZURES, AND BRAIN ABNORMALITIES. Identifiers: Orphanet 457351, MedGen C4225276, MONDO:0014698, OMIM 616577.
Inborn genetic diseases. Identifiers: MedGen C0950123, MeSH D030342.

Allele frequency attached by ClinVar (database versions not stated): ExAC 0.00003; gnomAD exomes 0.00003 and 0.00006; TOPMed 0.00005; gnomAD 0.00006; ESP Exome Variant Server 0.00008.
gnomAD v4.1: 103 of 1,614,062 alleles (0.0064%); highest among the groups gnomAD compares: Non-Finnish European, 0.0081%; no homozygotes.

Submissions (3):

Blueprint Genetics
Classification: Uncertain significance. Last evaluated: 2024-11-07. Review status: criteria provided, single submitter. Criteria: ACMG Guidelines, 2015. Collection method: clinical testing. Allele origin: germline.

Ambry Genetics
Classification: Uncertain significance for Inborn genetic diseases. Last evaluated: 2024-05-16. Review status: criteria provided, single submitter. Criteria: Ambry Variant Classification Scheme 2023. Collection method: clinical testing. Allele origin: germline.

Labcorp Genetics (formerly Invitae), Labcorp
Classification: Uncertain significance for Microcephaly-intellectual disability-sensorineural hearing loss-epilepsy-abnormal muscle tone syndrome. Last evaluated: 2022-05-15. Review status: criteria provided, single submitter. Criteria: Invitae Variant Classification Sherloc (09022015). Collection method: clinical testing. Allele origin: germline.
Comment: This sequence change replaces serine, which is neutral and polar, with proline, which is neutral and non-polar, at codon 232 of the SPATA5 protein (p.Ser232Pro). This variant is present in population databases (rs146442339, gnomAD 0.006%). This variant has not been reported in the literature in individuals affected with SPATA5-related conditions. ClinVar contains an entry for this variant (Variation ID: 1014755). Advanced modeling of protein sequence and biophysical properties (such as structural, functional, and spatial information, amino acid conservation, physicochemical variation, residue mobility, and thermodynamic stability) performed at Invitae indicates that this missense variant is expected to disrupt SPATA5 protein function. In summary, the available evidence is currently insufficient to determine the role of this variant in disease. Therefore, it has been classified as a Variant of Uncertain Significance.

NM_145207.3(AFG2A):c.694T>C (p.Ser232Pro)

Gene: AFG2A (AAA ATPase AFG2A; plus strand). Cytogenetic location: 4q28.1.
Variant type: single nucleotide variant.
Coding change: c.694T>C on transcript NM_145207.3 (MANE Select); coding-DNA position 694, T replaced by C.
Protein change: p.Ser232Pro; replaces serine 232 with proline.
Molecular consequence: missense variant.
Genome position (GRCh38, 1-based): chr4:122,934,285, T>C. VCF-style: chr4-122934285-T-C. GRCh37 (hg19) VCF-style: chr4-123855440-T-C.
Other names: c.694T>C (NM_145207.2); c.691T>C, p.Ser231Pro (NM_001317799.2, NM_001345856.2); short protein forms S231P, S232P.
Identifiers: ClinVar variation 1014755 (VCV001014755.4), dbSNP rs146442339, ClinGen allele CA3070301.